The following is an entry in ClinVar:

ClinVar aggregate classification (germline): Conflicting classifications of pathogenicity. Review status: criteria provided, conflicting classifications (1 of 4 stars). 2 submissions from 2 submitters: Uncertain significance (1); Likely benign (1). Last evaluated 2025-03-05.

Conditions:
Deficiency of butyryl-CoA dehydrogenase (ACADSD). Also called: SCAD DEFICIENCY, MILD; ACYL-CoA DEHYDROGENASE, SHORT-CHAIN, DEFICIENCY OF; SCAD Deficiency; SCADH DEFICIENCY; ACADS DEFICIENCY; Short-Chain Acyl-CoA Dehydrogenase Deficiency. Identifiers: Orphanet 26792, MedGen C0342783, MONDO:0008722, OMIM 201470. Disease mechanism: May be benign.

Allele frequency attached by ClinVar (database versions not stated): gnomAD exomes 0.00002; ExAC 0.00004; gnomAD 0.00006 and 0.00007; TOPMed 0.00007; ESP Exome Variant Server 0.00008.
gnomAD v4.1: 33 of 1,609,116 alleles (0.0021%); highest among the groups gnomAD compares: African/African-American, 0.012%; no homozygotes.

Submissions (2):

Labcorp Genetics (formerly Invitae), Labcorp
Classification: Likely benign for Deficiency of butyryl-CoA dehydrogenase. Last evaluated: 2025-03-05. Review status: criteria provided, single submitter. Criteria: Invitae Variant Classification Sherloc (09022015). Collection method: clinical testing. Allele origin: germline.

Laboratorio de Genetica e Diagnostico Molecular, Hospital Israelita Albert Einstein
Classification: Uncertain significance. Last evaluated: 2019-06-18. Review status: criteria provided, single submitter. Criteria: ACMG Guidelines, 2015. Collection method: clinical testing. Allele origin: germline. Affected: yes.
Comment: ACMG classification criteria: PM2, BP7

NM_000017.4(ACADS):c.225C>T (p.Gly75=)

Gene: ACADS (acyl-CoA dehydrogenase short chain; plus strand). Cytogenetic location: 12q24.31.
Variant type: single nucleotide variant.
Coding change: c.225C>T on transcript NM_000017.4 (MANE Select); coding-DNA position 225, C replaced by T.
Protein change: p.Gly75=; no amino-acid change (glycine 75 retained).
Molecular consequence: synonymous variant.
Genome position (GRCh38, 1-based): chr12:120,737,000, C>T. VCF-style: chr12-120737000-C-T. GRCh37 (hg19) VCF-style: chr12-121174803-C-T.
Other names: c.225C>T, p.Gly75= (NM_001302554.2).
Identifiers: ClinVar variation 1691067 (VCV001691067.5), dbSNP rs370478896, ClinGen allele CA6830798.